The following is an entry in ClinVar:

NM_000065.5(C6):c.2521C>A (p.Arg841Ser)

Gene: C6 (complement C6; minus strand). Cytogenetic location: 5p13.1.
Variant type: single nucleotide variant.
Coding change: c.2521C>A on transcript NM_000065.5 (MANE Select); coding-DNA position 2521, C replaced by A.
Protein change: p.Arg841Ser; replaces arginine 841 with serine.
Molecular consequence: missense variant.
Genome position (GRCh38, 1-based): chr5:41,149,343, G>T on the plus strand (C>A on the coding strand, the complement: C6 is on the minus strand). VCF-style: chr5-41149343-G-T. GRCh37 (hg19) VCF-style: chr5-41149445-G-T.
Other names: c.2521C>A, p.Arg841Ser (NM_001115131.4); short protein forms R841S.
Identifiers: ClinVar variation 3701918 (VCV003701918.2).

ClinVar aggregate classification (germline): Uncertain significance (1 of 4 stars; one submission).

gnomAD v4.1: 1 of 1,613,974 alleles (0.000062%); highest among the groups gnomAD compares: Admixed American, 0.0017%; no homozygotes.

Submission:

Labcorp Genetics (formerly Invitae), Labcorp
Classification: Uncertain significance. Last evaluated: 2024-03-16. Review status: criteria provided, single submitter. Criteria: Invitae Variant Classification Sherloc (09022015). Collection method: clinical testing. Allele origin: germline.
Comment: This sequence change replaces arginine, which is basic and polar, with serine, which is neutral and polar, at codon 841 of the C6 protein (p.Arg841Ser). This variant is present in population databases (no rsID available, gnomAD 0.003%). This variant has not been reported in the literature in individuals affected with C6-related conditions. An algorithm developed to predict the effect of missense changes on protein structure and function (PolyPhen-2) suggests that this variant is likely to be tolerated. In summary, the available evidence is currently insufficient to determine the role of this variant in disease. Therefore, it has been classified as a Variant of Uncertain Significance.